The following is an entry in ClinVar:

NM_012431.3(SEMA3E):c.1485G>A (p.Glu495=)

Gene: SEMA3E (semaphorin 3E; minus strand). Cytogenetic location: 7q21.11.
Variant type: single nucleotide variant.
Coding change: c.1485G>A on transcript NM_012431.3 (MANE Select); coding-DNA position 1485, G replaced by A.
Protein change: p.Glu495=; no amino-acid change (glutamic acid 495 retained).
Molecular consequence: synonymous variant.
Genome position (GRCh38, 1-based): chr7:83,394,312, C>T on the plus strand (G>A on the coding strand, the complement: SEMA3E is on the minus strand). VCF-style: chr7-83394312-C-T. GRCh37 (hg19) VCF-style: chr7-83023628-C-T.
Other names: c.1305G>A, p.Glu435= (NM_001178129.2); c.1485G>A (NM_012431.2).
Identifiers: ClinVar variation 2960039 (VCV002960039.5), dbSNP rs375802700, ClinGen allele CA4322008.

ClinVar aggregate classification (germline): Likely benign. Review status: criteria provided, single submitter (1 of 4 stars). 2 submissions from 2 submitters: Likely benign (1). 1 of the submissions does not count toward it. Last evaluated 2024-08-31.

Conditions:
SEMA3E-related disorder. Also called: SEMA3E-related condition.
CHARGE syndrome (CHARGE). Also called: Hittner Hirsch Kreh syndrome; CHARGE ASSOCIATION--COLOBOMA, HEART ANOMALY, CHOANAL ATRESIA, RETARDATION, GENITAL AND EAR ANOMALIES; Coloboma, heart anomaly, choanal atresia, retardation, genital and ear anomalies; CHARGE association; Hall-Hittner syndrome. Identifiers: Orphanet 138, MedGen C0265354, MONDO:0008965.

Allele frequency attached by ClinVar (database versions not stated): ExAC 0.00001; TOPMed 0.00002; gnomAD 0.00003; gnomAD exomes 0.00004; ESP Exome Variant Server 0.00008.
gnomAD v4.1: 55 of 1,613,132 alleles (0.0034%); highest among the groups gnomAD compares: Non-Finnish European, 0.0044%; no homozygotes.

Submissions (2):

Labcorp Genetics (formerly Invitae), Labcorp
Classification: Likely benign for CHARGE syndrome. Last evaluated: 2024-08-31. Review status: criteria provided, single submitter. Criteria: Invitae Variant Classification Sherloc (09022015). Collection method: clinical testing. Allele origin: germline.

PreventionGenetics, part of Exact Sciences
Classification: Likely benign for SEMA3E-related condition. Last evaluated: 2023-09-27. Review status: no assertion criteria provided. Collection method: clinical testing. Allele origin: germline. Not counted in ClinVar's aggregate classification.
Comment: This variant is classified as likely benign based on ACMG/AMP sequence variant interpretation guidelines (Richards et al. 2015 PMID: 25741868, with internal and published modifications).